The following is an entry in ClinVar:

ClinVar aggregate classification (germline): Uncertain significance. Review status: criteria provided, multiple submitters, no conflicts (2 of 4 stars). 4 submissions from 4 submitters: Uncertain significance (3). 1 of the submissions does not count toward it. Last evaluated 2026-08-31.

Conditions:
Cardiovascular phenotype. Identifiers: MedGen CN230736.
Brugada syndrome 4 (BRGDA4). Identifiers: Orphanet 130, MedGen C2678477, MONDO:0012743, OMIM 611876.

Allele frequency attached by ClinVar (database versions not stated): gnomAD 0.00004 and 0.00003; gnomAD exomes 0.00004 and 0.00002; ESP Exome Variant Server 0.00008; ExAC 0.00004; TOPMed 0.00004.
gnomAD v4.1: 40 of 1,613,932 alleles (0.0025%); highest among the groups gnomAD compares: South Asian, 0.0033%; no homozygotes.

Submissions (4):

Ambry Genetics
Classification: Uncertain significance for Cardiovascular phenotype. Last evaluated: 2026-08-31. Review status: criteria provided, single submitter. Criteria: Ambry Variant Classification Scheme 2023. Collection method: clinical testing. Allele origin: germline.
Comment: The p.E89K variant (also known as c.265G>A), located in coding exon 3 of the CACNB2 gene, results from a G to A substitution at nucleotide position 265. The glutamic acid at codon 89 is replaced by lysine, an amino acid with similar properties. This amino acid position is well conserved in available vertebrate species. In addition, the in silico prediction for this alteration is inconclusive. The evidence for this gene-disease relationship is limited; therefore, the clinical significance of this variant is unclear.

Labcorp Genetics (formerly Invitae), Labcorp
Classification: Uncertain significance for Brugada syndrome 4. Last evaluated: 2025-12-02. Review status: criteria provided, single submitter. Criteria: Invitae Variant Classification Sherloc (09022015). Collection method: clinical testing. Allele origin: germline.
Comment: This sequence change replaces glutamic acid, which is acidic and polar, with lysine, which is basic and polar, at codon 89 of the CACNB2 protein (p.Glu89Lys). This variant is present in population databases (rs368719191, gnomAD 0.04%). This variant has not been reported in the literature in individuals affected with CACNB2-related conditions. ClinVar contains an entry for this variant (Variation ID: 191432). Invitae Evidence Modeling of protein sequence and biophysical properties (such as structural, functional, and spatial information, amino acid conservation, physicochemical variation, residue mobility, and thermodynamic stability) indicates that this missense variant is not expected to disrupt CACNB2 protein function with a negative predictive value of 80%. In summary, the available evidence is currently insufficient to determine the role of this variant in disease. Therefore, it has been classified as a Variant of Uncertain Significance.

Biesecker Lab/Clinical Genomics Section, National Institutes of Health
Classification: Uncertain significance. Last evaluated: 2013-06-24. Review status: criteria provided, single submitter. Criteria: Ng et al. (Circ Cardiovasc Genet. 2013). Collection method: research. Allele origin: unknown. Observed: 1 variant allele. Study: ClinSeq.
Comment: The study set was not selected for affection status in relation to any cancer. Pathogenicity categories were based on literature curation. See Pubmed ID:23861362 for details.

Medical sequencing

Department of Pathology and Laboratory Medicine, Sinai Health System
Classification: Uncertain significance. Review status: no assertion criteria provided. Collection method: clinical testing. Allele origin: unknown. Affected: yes. Study: The Canadian Open Genetics Repository (COGR). Not counted in ClinVar's aggregate classification.
Comment: The CACNB2 p.Glu88Lys variant was not identified in the literature but was identified in dbSNP (ID: rs368719191), Cosmic, LOVD 3.0 and ClinVar (classified as a VUS by Biesecker Lab/Human Development Section, National Institutes of Health and Illumina for Brugada Syndrome). The variant was identified in control databases in 11 of 282722 chromosomes at a frequency of 0.000039 (Genome Aggregation Database Feb 27, 2017). The variant was observed in the following populations: Ashkenazi Jewish in 4 of 10368 chromosomes (freq: 0.000386), African in 1 of 24972 chromosomes (freq: 0.00004), European (non-Finnish) in 5 of 129064 chromosomes (freq: 0.000039), and South Asian in 1 of 30612 chromosomes (freq: 0.000033), but not in the Latino, East Asian, European (Finnish) or Other populations. The p.Glu88 residue is conserved in mammals but not in more distantly related organisms however computational analyses (PolyPhen-2, SIFT, AlignGVGD, BLOSUM, MutationTaster) provide inconsistent predictions regarding the impact to the protein. The variant occurs outside of the splicing consensus sequence and in silico or computational prediction software programs (SpliceSiteFinder, MaxEntScan, NNSPLICE, GeneSplicer) do not predict a difference in splicing. In summary, based on the above information the clinical significance of this variant cannot be determined with certainty at this time. This variant is classified as a variant of uncertain significance.

NM_201596.3(CACNB2):c.427G>A (p.Glu143Lys)

Gene: CACNB2 (calcium voltage-gated channel auxiliary subunit beta 2; plus strand). Cytogenetic location: 10p12.31.
Variant type: single nucleotide variant.
Coding change: c.427G>A on transcript NM_201596.3 (MANE Select); coding-DNA position 427, G replaced by A.
Protein change: p.Glu143Lys; replaces glutamic acid 143 with lysine.
Molecular consequence: missense variant.
Genome position (GRCh38, 1-based): chr10:18,498,448, G>A. VCF-style: chr10-18498448-G-A. GRCh37 (hg19) VCF-style: chr10-18787377-G-A.
Other names: c.262G>A, p.Glu88Lys (NM_000724.4, NM_001330060.2); c.343G>A, p.Glu115Lys (NM_001167945.2, NM_201571.4, NM_201572.4); c.283G>A, p.Glu95Lys (NM_201570.3); c.265G>A, p.Glu89Lys (NM_201590.3); c.427G>A, p.Glu143Lys (NM_201593.3, NM_201597.3); short protein forms E143K, E89K, E88K, E115K, E95K.
Identifiers: ClinVar variation 191432 (VCV000191432.10), dbSNP rs368719191, ClinGen allele CA236649.
Genomic context (GRCh38, chr10:18,498,448, plus strand): 5'-GTCAGCTACAGTGCGGCCCATGAAGATGATGTTCCAGTGCCTGGCATGGCCATCTCATTC[G>A]AAGCAAAAGATTTTCTGCATGTTAAGGAAGTAAGGAGAATAATTTCATTTTCTAACAGCA-3'
Protein context (NP_963890.2, residues 133-153): VPVPGMAISF[Glu143Lys]AKDFLHVKEK